The following is an entry in ClinVar:

ClinVar aggregate classification (germline): Uncertain significance (1 of 4 stars; one submission).

Conditions:
Cohen syndrome (COH1). Also called: PEPPER SYNDROME; Cutis verticis gyrata, retinitis pigmentosa, and sensorineural deafness. Identifiers: Orphanet 193, MedGen C0265223, MONDO:0008999, OMIM 216550.

gnomAD v4.1: 1 of 1,614,128 alleles (0.000062%); highest among the groups gnomAD compares: South Asian, 0.0011%; no homozygotes.

Submission:

Labcorp Genetics (formerly Invitae), Labcorp
Classification: Uncertain significance for Cohen syndrome. Last evaluated: 2025-08-18. Review status: criteria provided, single submitter. Criteria: Invitae Variant Classification Sherloc (09022015). Collection method: clinical testing. Allele origin: germline.
Comment: This sequence change replaces glycine, which is neutral and non-polar, with cysteine, which is neutral and slightly polar, at codon 3685 of the VPS13B protein (p.Gly3685Cys). This variant is not present in population databases (gnomAD no frequency). This variant has not been reported in the literature in individuals affected with VPS13B-related conditions. Invitae Evidence Modeling of protein sequence and biophysical properties (such as structural, functional, and spatial information, amino acid conservation, physicochemical variation, residue mobility, and thermodynamic stability) indicates that this missense variant is expected to disrupt VPS13B protein function with a positive predictive value of 80%. In summary, the available evidence is currently insufficient to determine the role of this variant in disease. Therefore, it has been classified as a Variant of Uncertain Significance.

NM_152564.5(VPS13B):c.10978G>T (p.Gly3660Cys)

Gene: VPS13B (vacuolar protein sorting 13 homolog B; plus strand). Cytogenetic location: 8q22.2.
Variant type: single nucleotide variant.
Coding change: c.10978G>T on transcript NM_152564.5 (MANE Select); coding-DNA position 10978, G replaced by T.
Protein change: p.Gly3660Cys; replaces glycine 3660 with cysteine.
Molecular consequence: missense variant.
Genome position (GRCh38, 1-based): chr8:99,859,414, G>T. VCF-style: chr8-99859414-G-T. GRCh37 (hg19) VCF-style: chr8-100871642-G-T.
Other names: c.11053G>T, p.Gly3685Cys (NM_017890.5); short protein forms G3685C, G3660C.
Identifiers: ClinVar variation 4704545 (VCV004704545.1).
Genomic context (GRCh38, chr8:99,859,414, plus strand): 5'-AGAAGCATCGGGAACGGGGTCGCCGACTTCTTCAGGCTTCCGTATGAGGGGCTGACCCGG[G>T]GCCCTGGAGCCTTCGTGAGTGGCGTCTCCAGAGGGACCACATCGTTTGTAAAGCACATCT-3'
Protein context (NP_689777.3, residues 3650-3670): FRLPYEGLTR[Gly3660Cys]PGAFVSGVSR